The following is an entry in ClinVar:

NM_003718.5(CDK13):c.1812C>G (p.Thr604=)

Gene: CDK13 (cyclin dependent kinase 13; plus strand). Cytogenetic location: 7p14.1.
Variant type: single nucleotide variant.
Coding change: c.1812C>G on transcript NM_003718.5 (MANE Select); coding-DNA position 1812, C replaced by G.
Protein change: p.Thr604=; no amino-acid change (threonine 604 retained).
Molecular consequence: synonymous variant.
Genome position (GRCh38, 1-based): chr7:39,988,199, C>G. VCF-style: chr7-39988199-C-G. GRCh37 (hg19) VCF-style: chr7-40027798-C-G.
Other names: c.1812C>G, p.Thr604= (NM_031267.4).
Identifiers: ClinVar variation 4533956 (VCV004533956.7).
Genomic context (GRCh38, chr7:39,988,199, plus strand): 5'-CAAACCACTTACACCAAGCATAGGAGCCAAGGAGAAGGAGCAACATGTAGCTTTAGTCAC[C>G]TCTACATTACCACCGTTACCTTTGCCTCCCATGCTGCCTGAAGATAAAGAAGCTGATAGG-3'
Protein context (NP_003709.3, residues 594-614): KEKEQHVALV[Thr604=]STLPPLPLPP

ClinVar aggregate classification (germline): Likely benign. Review status: criteria provided, multiple submitters, no conflicts (2 of 4 stars). 2 submissions from 2 submitters: Likely benign (2). Last evaluated 2025-11-01.

gnomAD v4.1: 14 of 1,613,706 alleles (0.00087%); highest among the groups gnomAD compares: South Asian, 0.0011%; 1 homozygote.

Submissions (2):

CeGaT Center for Human Genetics Tuebingen
Classification: Likely benign. Last evaluated: 2025-11-01. Review status: criteria provided, single submitter. Criteria: CeGaT Center For Human Genetics Tuebingen Variant Classification Criteria Version 2. Collection method: clinical testing. Allele origin: germline. Affected: yes. Observed: 1 variant allele.
Comment: CDK13: BP4, BP7

Blueprint Genetics
Classification: Likely benign. Last evaluated: 2024-09-10. Review status: criteria provided, single submitter. Criteria: ACMG Guidelines, 2015. Collection method: clinical testing. Allele origin: germline.